The following is an entry in ClinVar:

NM_020297.4(ABCC9):c.1828_1829del (p.Leu610fs)

Gene: ABCC9 (ATP binding cassette subfamily C member 9; minus strand). Cytogenetic location: 12p12.1.
Variant type: Deletion.
Coding change: c.1828_1829del on transcript NM_020297.4 (MANE Select); coding-DNA positions 1828 to 1829, 2 bases deleted (TT; older notation c.1828_1829delTT).
Protein change: p.Leu610fs; shifts the reading frame from leucine 610.
Molecular consequence: frameshift variant.
Genome position (GRCh38, 1-based): chr12:21,887,908-21,887,909, AA deleted on the plus strand (TT on the coding strand, the reverse complement: ABCC9 is on the minus strand). VCF-style (leftmost placement, unchanged base first): chr12-21887907-CAA-C. GRCh37 (hg19) VCF-style: chr12-22040841-CAA-C.
Other names: c.1828_1829del (NM_020297.2, NM_020297.3); c.1828_1829delTT (NM_020297.3); c.1828_1829del, p.Leu610fs (NM_001377273.1, NM_005691.4); c.964_965del, p.Leu322fs (NM_001377274.1); short protein forms L610fs, L322fs.
Identifiers: ClinVar variation 834481 (VCV000834481.13), dbSNP rs776934642, ClinGen allele CA6481572.

ClinVar aggregate classification (germline): Conflicting classifications of pathogenicity. Review status: criteria provided, conflicting classifications (1 of 4 stars). 5 submissions from 5 submitters: Pathogenic (2); Likely pathogenic (1); Uncertain significance (2). Last evaluated 2026-03-17.

Conditions:
Dilated cardiomyopathy 1O (CMD1O). Also called: CARDIOMYOPATHY, DILATED, WITH VENTRICULAR TACHYCARDIA. Identifiers: Orphanet 154, MedGen C1837839, MONDO:0012062, OMIM 608569.
Hypertrichotic osteochondrodysplasia Cantu type. Also called: Cantú Syndrome; Cantu Syndrome. Identifiers: Orphanet 1517, MedGen C0795905, MONDO:0009406, OMIM 239850.
Intellectual disability and myopathy syndrome (IDMYS). Identifiers: MedGen C5676904, MONDO:0859224, OMIM 619719.
Atrial fibrillation, familial, 12 (ATFB12). Identifiers: MedGen C3279695, MONDO:0013545, OMIM 614050.
ABCC9-related disorder. Also called: ABCC9-related disorders; ABCC9-related condition.

Allele frequency attached by ClinVar (database versions not stated): ExAC 0.00001; gnomAD exomes 0.00001 and 0.00002; gnomAD 0.00002; TOPMed 0.00002.

Submissions (5):

PreventionGenetics, part of Exact Sciences
Classification: Likely pathogenic for ABCC9-related condition. Last evaluated: 2026-03-17. Review status: criteria provided, single submitter. Criteria: ACMG Guidelines, 2015. Collection method: clinical testing. Allele origin: germline.
Comment: The ABCC9 c.1828_1829delTT variant is predicted to result in a frameshift and premature protein termination (p.Leu610Glufs*2). To our knowledge, this variant has not been reported in the literature. This variant is reported in 0.017% of alleles in individuals of Latino descent in gnomAD. Loss of function is not an established mechanism of ABCC9-related disease. Although we suspect that this variant may be pathogenic, at this time, the clinical significance of this variant is uncertain due to the absence of conclusive functional and genetic evidence.

Labcorp Genetics (formerly Invitae), Labcorp
Classification: Pathogenic for Dilated cardiomyopathy 1O. Last evaluated: 2025-11-10. Review status: criteria provided, single submitter. Criteria: Invitae Variant Classification Sherloc (09022015). Collection method: clinical testing. Allele origin: germline.
Comment: This sequence change creates a premature translational stop signal (p.Leu610Glufs*2) in the ABCC9 gene. It is expected to result in an absent or disrupted protein product. Loss-of-function variants in ABCC9 are known to be pathogenic (PMID: 31575858, 38217872). This variant is present in population databases (rs776934642, gnomAD 0.02%). This variant has not been reported in the literature in individuals affected with ABCC9-related conditions. ClinVar contains an entry for this variant (Variation ID: 834481). For these reasons, this variant has been classified as Pathogenic.

Rady Children's Institute for Genomic Medicine, Rady Children's Hospital San Diego
Classification: Pathogenic for ABCC9-related disorders. Last evaluated: 2024-12-30. Review status: criteria provided, single submitter. Criteria: ACMG Guidelines, 2015. Collection method: clinical testing. Allele origin: germline. Affected: yes.
Comment: This frameshifting variant in exon 13 of 38 is predicted to result in loss of normal protein function through either protein truncation or nonsense-mediated mRNA decay. This variant has previously been reported in both the heterozygous and homozygous state in individuals with an unspecified phenotype (PMID: 36129056). The c.1828_1829del (p.Leu610GlufsTer2) variant is present in the latest version of the gnomAD population database at an allele frequency of 0.001% (10/1613226) and thus is presumed to be rare. Based on the available evidence, c.1828_1829del (p.Leu610GlufsTer2) is classified as Pathogenic.

Fulgent Genetics
Classification: Uncertain significance for Hypertrichotic osteochondrodysplasia Cantu type; Dilated cardiomyopathy 1O; Atrial fibrillation, familial, 12; Intellectual disability and myopathy syndrome. Last evaluated: 2021-07-01. Review status: criteria provided, single submitter. Criteria: ACMG Guidelines, 2015. Collection method: clinical testing. Allele origin: unknown.

GeneDx
Classification: Uncertain significance. Last evaluated: 2019-04-16. Review status: criteria provided, single submitter. Criteria: GeneDx Variant Classification Process June 2021. Collection method: clinical testing. Allele origin: germline. Affected: yes.
Comment: Frameshift variant predicted to result in protein truncation or nonsense mediated decay in a gene for which loss-of-function is not a known mechanism of disease; Has not been previously published as pathogenic or benign to our knowledge

Literature cited by the submitters: PubMed 31575858 (cited by Labcorp Genetics (formerly Invitae), Labcorp); PubMed 38217872 (cited by Labcorp Genetics (formerly Invitae), Labcorp); PubMed 36129056 (cited by Rady Children's Institute for Genomic Medicine, Rady Children's Hospital San Diego).